The following is an entry in ClinVar:

ClinVar aggregate classification (germline): Uncertain significance. Review status: criteria provided, multiple submitters, no conflicts (2 of 4 stars). 2 submissions from 2 submitters: Uncertain significance (2). Last evaluated 2019-03-05.

Allele frequency attached by ClinVar (database versions not stated): TOPMed below 0.00001; gnomAD 0.00001; gnomAD exomes 0.00001.
gnomAD v4.1: 11 of 1,613,904 alleles (0.00068%); highest among the groups gnomAD compares: Non-Finnish European, 0.00076%; no homozygotes.

Submissions (2):

Revvity Omics, Revvity
Classification: Uncertain significance. Last evaluated: 2019-03-05. Review status: criteria provided, single submitter. Criteria: ACMG Guidelines, 2015. Collection method: clinical testing. Allele origin: germline.

Laboratory for Molecular Medicine, Mass General Brigham Personalized Medicine
Classification: Uncertain significance. Last evaluated: 2012-06-06. Review status: criteria provided, single submitter. Criteria: LMM Criteria. Collection method: clinical testing. Allele origin: germline. Observed: 1 variant allele.
Comment: The Tyr2127Cys variant in TTN has not been reported in the literature nor previo usly identified by our laboratory. In addition, this variant has not been identi fied in large and broad populations by NHLBI Exome Sequencing Project (s.). Computational analyses (biochemical amino acid propert ies, conservation, AlignGVGD, PolyPhen2, and SIFT) suggest that the Tyr2127Cys v ariant may impact the protein, though this information is not predictive enough to determine pathogenicity. In summary, the low frequency and computational pred ictions support a pathogenic role, but the available evidence is insufficient to establish this with confidence.

NM_001267550.2(TTN):c.6380A>G (p.Tyr2127Cys)

Gene: TTN (titin; minus strand). Cytogenetic location: 2q31.2.
Variant type: single nucleotide variant.
Coding change: c.6380A>G on transcript NM_001267550.2 (MANE Select); coding-DNA position 6380, A replaced by G.
Protein change: p.Tyr2127Cys; replaces tyrosine 2127 with cysteine.
Molecular consequence: missense variant.
Genome position (GRCh38, 1-based): chr2:178,775,484, T>C on the plus strand (A>G on the coding strand, the complement: TTN is on the minus strand). VCF-style: chr2-178775484-T-C. GRCh37 (hg19) VCF-style: chr2-179640211-T-C.
Other names: c.6380A>G, p.Tyr2127Cys (NM_133378.4, NM_001256850.1, NM_133379.5); c.6242A>G, p.Tyr2081Cys (NM_003319.4, NM_133432.3, NM_133437.4); short protein forms Y2127C, Y2081C.
Identifiers: ClinVar variation 47300 (VCV000047300.8), dbSNP rs397517688, ClinGen allele CA140611.